The following is an entry in ClinVar:

NM_199420.4(POLQ):c.494G>C (p.Gly165Ala)

Gene: POLQ (DNA polymerase theta; minus strand). Cytogenetic location: 3q13.33.
Variant type: single nucleotide variant.
Coding change: c.494G>C on transcript NM_199420.4 (MANE Select); coding-DNA position 494, G replaced by C.
Protein change: p.Gly165Ala; replaces glycine 165 with alanine.
Molecular consequence: missense variant.
Genome position (GRCh38, 1-based): chr3:121,539,570, C>G on the plus strand (G>C on the coding strand, the complement: POLQ is on the minus strand). VCF-style: chr3-121539570-C-G. GRCh37 (hg19) VCF-style: chr3-121258417-C-G.
Other names: short protein forms G165A.
Identifiers: ClinVar variation 3422554 (VCV003422554.1).
Genomic context (GRCh38, chr3:121,539,570, plus strand): 5'-TCCAATGAAGAGAAATGCCTTGATGGAGAGGTGCTGCCCATATAACCGTCTACTTTTATT[C>G]CTACTTCCTGAAACAGACTCTGAATTGAGTAAAAAGGAACAATACAGGTGAAAAAACTTG-3'
Protein context (NP_955452.3, residues 155-175): YYLQSLFQEV[Gly165Ala]IKVDGYMGST

ClinVar aggregate classification (germline): Uncertain significance (1 of 4 stars; one submission).

Submission:

Ambry Genetics
Classification: Uncertain significance. Last evaluated: 2024-09-18. Review status: criteria provided, single submitter. Criteria: Ambry Variant Classification Scheme 2023. Collection method: clinical testing. Allele origin: germline.
Comment: The p.G165A variant (also known as c.494G>C), located in coding exon 4 of the POLQ gene, results from a G to C substitution at nucleotide position 494. The glycine at codon 165 is replaced by alanine, an amino acid with similar properties. This amino acid position is conserved. In addition, the in silico prediction for this alteration is inconclusive. Based on the available evidence, the clinical significance of this variant remains unclear.